The following is an entry in ClinVar:

NM_002691.4(POLD1):c.3049A>C (p.Thr1017Pro)

Gene: POLD1 (DNA polymerase delta 1, catalytic subunit; plus strand). Cytogenetic location: 19q13.33.
Variant type: single nucleotide variant.
Coding change: c.3049A>C on transcript NM_002691.4 (MANE Select); coding-DNA position 3049, A replaced by C.
Protein change: p.Thr1017Pro; replaces threonine 1017 with proline.
Molecular consequence: missense variant. On other transcripts: non-coding transcript variant (1).
Genome position (GRCh38, 1-based): chr19:50,416,705, A>C. VCF-style: chr19-50416705-A-C. GRCh37 (hg19) VCF-style: chr19-50919962-A-C.
Other names: c.3049A>C, p.Thr1017Pro (NM_001256849.1); c.3127A>C, p.Thr1043Pro (NM_001308632.1); short protein forms T1043P, T1017P.
Identifiers: ClinVar variation 2076198 (VCV002076198.4), dbSNP rs2122498157, ClinGen allele CA406986994.

ClinVar aggregate classification (germline): Uncertain significance (1 of 4 stars; one submission).

Conditions:
POLD1-related polyposis and colorectal cancer syndrome (CRCS10). Also called: Colorectal cancer 10; COLORECTAL CANCER, SUSCEPTIBILITY TO, ON CHROMOSOME 19q; Colorectal cancer, susceptibility to, 10. Identifiers: Orphanet 220460, MedGen C2675481, MONDO:0012953, OMIM 612591.

gnomAD v4.1: 1 of 1,540,824 alleles (0.000065%); highest among the groups gnomAD compares: South Asian, 0.0012%; no homozygotes.

Submission:

Labcorp Genetics (formerly Invitae), Labcorp
Classification: Uncertain significance for POLD1-related polyposis and colorectal cancer syndrome. Last evaluated: 2022-01-06. Review status: criteria provided, single submitter. Criteria: Invitae Variant Classification Sherloc (09022015). Collection method: clinical testing. Allele origin: germline.
Comment: In summary, the available evidence is currently insufficient to determine the role of this variant in disease. Therefore, it has been classified as a Variant of Uncertain Significance. Algorithms developed to predict the effect of missense changes on protein structure and function are either unavailable or do not agree on the potential impact of this missense change (SIFT: "Tolerated"; PolyPhen-2: "Possibly Damaging"; Align-GVGD: "Class C0"). This variant has not been reported in the literature in individuals affected with POLD1-related conditions. This variant is not present in population databases (gnomAD no frequency). This sequence change replaces threonine, which is neutral and polar, with proline, which is neutral and non-polar, at codon 1017 of the POLD1 protein (p.Thr1017Pro).